The following is an entry in ClinVar:

ClinVar aggregate classification (germline): Uncertain significance (1 of 4 stars; one submission).

Conditions:
Hereditary cancer-predisposing syndrome. Also called: Neoplastic Syndromes, Hereditary; Tumor predisposition; Hereditary Cancer Syndrome; Hereditary neoplastic syndrome. Identifiers: Orphanet 140162, MedGen C0027672, MeSH D009386, MONDO:0015356.

Allele frequency attached by ClinVar (database versions not stated): ExAC 0.00001.
gnomAD v4.1: 2 of 1,613,174 alleles (0.00012%); highest among the groups gnomAD compares: South Asian, 0.0022%; no homozygotes.

Submission:

Ambry Genetics
Classification: Uncertain significance for Hereditary cancer-predisposing syndrome. Last evaluated: 2022-05-10. Review status: criteria provided, single submitter. Criteria: Ambry Variant Classification Scheme 2023. Collection method: clinical testing. Allele origin: germline.
Comment: The p.D211N variant (also known as c.631G>A), located in coding exon 6 of the NBN gene, results from a G to A substitution at nucleotide position 631. The aspartic acid at codon 211 is replaced by asparagine, an amino acid with highly similar properties. This amino acid position is conserved. In addition, this alteration is predicted to be tolerated by in silico analysis. Since supporting evidence is limited at this time, the clinical significance of this alteration remains unclear.

NM_002485.5(NBN):c.631G>A (p.Asp211Asn)

Gene: NBN (nibrin; minus strand). Cytogenetic location: 8q21.3.
Variant type: single nucleotide variant.
Coding change: c.631G>A on transcript NM_002485.5 (MANE Select); coding-DNA position 631, G replaced by A.
Protein change: p.Asp211Asn; replaces aspartic acid 211 with asparagine.
Molecular consequence: missense variant.
Genome position (GRCh38, 1-based): chr8:89,971,244, C>T on the plus strand (G>A on the coding strand, the complement: NBN is on the minus strand). VCF-style: chr8-89971244-C-T. GRCh37 (hg19) VCF-style: chr8-90983472-C-T.
Other names: c.385G>A, p.Asp129Asn (NM_001024688.3); short protein forms D129N, D211N.
Identifiers: ClinVar variation 1752840 (VCV001752840.2), dbSNP rs752104183, ClinGen allele CA4802917.